The following is an entry in ClinVar:

NM_001349.4(DARS1):c.1210A>G (p.Met404Val)

Gene: DARS1 (aspartyl-tRNA synthetase 1; minus strand). Cytogenetic location: 2q21.3.
Variant type: single nucleotide variant.
Coding change: c.1210A>G on transcript NM_001349.4 (MANE Select); coding-DNA position 1210, A replaced by G.
Protein change: p.Met404Val; replaces methionine 404 with valine.
Molecular consequence: missense variant.
Genome position (GRCh38, 1-based): chr2:135,912,506, T>C on the plus strand (A>G on the coding strand, the complement: DARS1 is on the minus strand). VCF-style: chr2-135912506-T-C. GRCh37 (hg19) VCF-style: chr2-136670076-T-C.
Other names: c.910A>G, p.Met304Val (NM_001293312.1); short protein forms M304V, M404V.
Identifiers: ClinVar variation 1682548 (VCV001682548.6), dbSNP rs770613720, ClinGen allele CA1889537.

ClinVar aggregate classification (germline): Uncertain significance (1 of 4 stars; one submission).

Allele frequency attached by ClinVar (database versions not stated): TOPMed 0.00001; gnomAD 0.00002; gnomAD exomes 0.00002 and 0.00006; ExAC 0.00004.
gnomAD v4.1: 20 of 1,111,776 alleles (0.0018%); highest among the groups gnomAD compares: Admixed American, 0.019%; no homozygotes.

Submission:

Labcorp Genetics (formerly Invitae), Labcorp
Classification: Uncertain significance. Last evaluated: 2023-08-04. Review status: criteria provided, single submitter. Criteria: Invitae Variant Classification Sherloc (09022015). Collection method: clinical testing. Allele origin: germline.
Comment: Advanced modeling of protein sequence and biophysical properties (such as structural, functional, and spatial information, amino acid conservation, physicochemical variation, residue mobility, and thermodynamic stability) performed at Invitae indicates that this missense variant is expected to disrupt DARS protein function. This variant is present in population databases (rs770613720, gnomAD 0.04%). This missense change has been observed in individual(s) with leukodystrophy: hypomyelination with brain stem and spinal cord involvement and leg spasticity (PMID: 29518832). ClinVar contains an entry for this variant (Variation ID: 1682548). In summary, the available evidence is currently insufficient to determine the role of this variant in disease. Therefore, it has been classified as a Variant of Uncertain Significance. This sequence change replaces methionine, which is neutral and non-polar, with valine, which is neutral and non-polar, at codon 404 of the DARS protein (p.Met404Val).

Literature cited by the submitters: PubMed 29518832.